The following is an entry in ClinVar:

NM_001999.4(FBN2):c.1658C>G (p.Pro553Arg)

Gene: FBN2 (fibrillin 2; minus strand). Cytogenetic location: 5q23.3.
Variant type: single nucleotide variant.
Coding change: c.1658C>G on transcript NM_001999.4 (MANE Select); coding-DNA position 1658, C replaced by G.
Protein change: p.Pro553Arg; replaces proline 553 with arginine.
Molecular consequence: missense variant.
Genome position (GRCh38, 1-based): chr5:128,378,836, G>C on the plus strand (C>G on the coding strand, the complement: FBN2 is on the minus strand). VCF-style: chr5-128378836-G-C. GRCh37 (hg19) VCF-style: chr5-127714529-G-C.
Other names: short protein forms P553R.
Identifiers: ClinVar variation 1052642 (VCV001052642.10), dbSNP rs2126960181, ClinGen allele CA360743721.

ClinVar aggregate classification (germline): Uncertain significance. Review status: criteria provided, multiple submitters, no conflicts (2 of 4 stars). 2 submissions from 2 submitters: Uncertain significance (2). Last evaluated 2024-08-19.

Conditions:
Congenital contractural arachnodactyly (CCA). Also called: BEALS SYNDROME; Beals-Hecht syndrome; Arthrogryposis, distal, type 9. Identifiers: Orphanet 115, MedGen C0220668, MONDO:0007363, OMIM 121050.

Allele frequency attached by ClinVar (database versions not stated): gnomAD exomes below 0.00001.
gnomAD v4.1: 1 of 1,613,098 alleles (0.000062%); highest among the groups gnomAD compares: Non-Finnish European, 0.000085%; no homozygotes.

Submissions (2):

Blueprint Genetics
Classification: Uncertain significance. Last evaluated: 2024-08-19. Review status: criteria provided, single submitter. Criteria: ACMG Guidelines, 2015. Collection method: clinical testing. Allele origin: germline.

Labcorp Genetics (formerly Invitae), Labcorp
Classification: Uncertain significance for Congenital contractural arachnodactyly. Last evaluated: 2020-06-16. Review status: criteria provided, single submitter. Criteria: Invitae Variant Classification Sherloc (09022015). Collection method: clinical testing. Allele origin: germline.
Comment: In summary, the available evidence is currently insufficient to determine the role of this variant in disease. Therefore, it has been classified as a Variant of Uncertain Significance. Algorithms developed to predict the effect of missense changes on protein structure and function are either unavailable or do not agree on the potential impact of this missense change (SIFT: "Deleterious"; PolyPhen-2: "Possibly Damaging"; Align-GVGD: "Class C0"). This variant has not been reported in the literature in individuals with FBN2-related conditions. This variant is not present in population databases (ExAC no frequency). This sequence change replaces proline with arginine at codon 553 of the FBN2 protein (p.Pro553Arg). The proline residue is highly conserved and there is a moderate physicochemical difference between proline and arginine.